The following is an entry in ClinVar:

NM_000038.6(APC):c.2383C>G (p.Leu795Val)

Gene: APC (APC regulator of Wnt signaling pathway; plus strand). Cytogenetic location: 5q22.2.
Variant type: single nucleotide variant.
Coding change: c.2383C>G on transcript NM_000038.6 (MANE Select); coding-DNA position 2383, C replaced by G.
Protein change: p.Leu795Val; replaces leucine 795 with valine.
Molecular consequence: missense variant.
Genome position (GRCh38, 1-based): chr5:112,837,977, C>G. VCF-style: chr5-112837977-C-G. GRCh37 (hg19) VCF-style: chr5-112173674-C-G.
Other names: c.2383C>G, p.Leu795Val (NM_001127510.3, NM_001354895.2); c.2329C>G, p.Leu777Val (NM_001127511.3); c.2437C>G, p.Leu813Val (NM_001354896.2); c.2413C>G, p.Leu805Val (NM_001354897.2); c.2308C>G, p.Leu770Val (NM_001354898.2); c.2299C>G, p.Leu767Val (NM_001354899.2); c.2260C>G, p.Leu754Val (NM_001354900.2); c.2206C>G, p.Leu736Val (NM_001354901.2); and 5 more; short protein forms L635V, L694V, L813V, L512V, L770V, L777V, L669V, L704V.
Identifiers: ClinVar variation 653265 (VCV000653265.24), dbSNP rs1442780982, ClinGen allele CA16026570.

ClinVar aggregate classification (germline): Uncertain significance. Review status: criteria provided, multiple submitters, no conflicts (2 of 4 stars). 6 submissions from 6 submitters: Uncertain significance (6). Last evaluated 2025-12-23.

Conditions:
Hereditary cancer-predisposing syndrome. Also called: Neoplastic Syndromes, Hereditary; Tumor predisposition; Hereditary Cancer Syndrome; Hereditary neoplastic syndrome. Identifiers: Orphanet 140162, MedGen C0027672, MeSH D009386, MONDO:0015356.
Familial adenomatous polyposis 1 (FAP1). Also called: FAMILIAL ADENOMATOUS POLYPOSIS 1, ATTENUATED; POLYPOSIS, ADENOMATOUS INTESTINAL. Identifiers: MedGen C2713442, MONDO:0021056, OMIM 175100. Disease mechanism: loss of function.
Gastric adenocarcinoma and proximal polyposis of the stomach (GAPPS). Also called: POLYPOSIS, GASTRIC; Polyposis, gastric, Dos Santos and de Magalhaes 1980; Gastric Adenocarcinoma and Proximal Polyposis of the Stomach (GAPPS). Identifiers: Orphanet 314022, MedGen C4749917, MONDO:0017790, OMIM 619182.
Desmoid disease, hereditary (DESMD). Also called: FIBROMATOSIS, FAMILIAL INFILTRATIVE. Identifiers: Orphanet 873, MedGen C1851124, OMIM 135290. Disease mechanism: loss of function.
Hepatocellular carcinoma (HCC). Also called: Primary carcinoma of liver; HEPATOMA; LIVER CELL CARCINOMA. Identifiers: Orphanet 88673, MedGen C2239176, MONDO:0007256, OMIM 114550, HP:0001402.
Gastric cancer. Also called: Malignant tumor of stomach; Stomach cancer. Identifiers: MedGen C0024623, MeSH D013274, MONDO:0001056, OMIM 613659, HP:0012126.
Colorectal cancer. Also called: Colorectal cancer, somatic; Malignant Colorectal Neoplasm. Identifiers: MedGen C0346629, MONDO:0005575, OMIM 114500.
Classic or attenuated familial adenomatous polyposis. Identifiers: MedGen CN372698, MONDO:0021057.

Allele frequency attached by ClinVar (database versions not stated): gnomAD exomes below 0.00001 and 0.00001.
gnomAD v4.1: 6 of 1,614,130 alleles (0.00037%); highest among the groups gnomAD compares: East Asian, 0.011%; no homozygotes.

Submissions (6):

Labcorp Genetics (formerly Invitae), Labcorp
Classification: Uncertain significance for Familial adenomatous polyposis 1. Last evaluated: 2025-12-23. Review status: criteria provided, single submitter. Criteria: Invitae Variant Classification Sherloc (09022015). Collection method: clinical testing. Allele origin: germline.
Comment: This sequence change replaces leucine, which is neutral and non-polar, with valine, which is neutral and non-polar, at codon 795 of the APC protein (p.Leu795Val). This variant is present in population databases (no rsID available, gnomAD no frequency). This variant has not been reported in the literature in individuals affected with APC-related conditions. ClinVar contains an entry for this variant (Variation ID: 653265). Invitae Evidence Modeling of protein sequence and biophysical properties (such as structural, functional, and spatial information, amino acid conservation, physicochemical variation, residue mobility, and thermodynamic stability) indicates that this missense variant is not expected to disrupt APC protein function with a negative predictive value of 95%. In summary, the available evidence is currently insufficient to determine the role of this variant in disease. Therefore, it has been classified as a Variant of Uncertain Significance.

All of Us Research Program, National Institutes of Health
Classification: Uncertain significance for Classic or attenuated familial adenomatous polyposis. Last evaluated: 2024-07-29. Review status: criteria provided, single submitter. Criteria: ACMG Guidelines, 2015. Collection method: clinical testing. Allele origin: germline. Inheritance: Autosomal dominant inheritance. Observed: 1 variant allele, 1 heterozygote.
Comment: This missense variant replaces leucine with valine at codon 795 of the APC protein. Computational prediction is inconclusive regarding the impact of this variant on protein structure and function (internally defined REVEL score threshold 0.5 < inconclusive < 0.7, PMID: 27666373). To our knowledge, functional studies have not been reported for this variant. This variant has not been reported in individuals affected with hereditary cancer in the literature. This variant has been identified in 1/250802 chromosomes in the general population by the Genome Aggregation Database (gnomAD). The available evidence is insufficient to determine the role of this variant in disease conclusively. Therefore, this variant is classified as a Variant of Uncertain Significance.

This study involves interpretation of variants in research participants for the purpose of population health screening. Participant phenotype was not available at the time of variant classification. Additional details can be found in publication PMID: 35346344, PMCID: PMC8962531

Color Diagnostics, LLC DBA Color Health
Classification: Uncertain significance for Hereditary cancer-predisposing syndrome. Last evaluated: 2024-07-16. Review status: criteria provided, single submitter. Criteria: ACMG Guidelines, 2015. Collection method: clinical testing. Allele origin: germline.
Comment: This missense variant replaces leucine with valine at codon 795 of the APC protein. Computational prediction suggests that this variant may not impact protein structure and function (internally defined REVEL score threshold <= 0.5, PMID: 27666373). To our knowledge, functional studies have not been reported for this variant. This variant has not been reported in individuals affected with APC-related disorders in the literature. This variant has been identified in 1/250802 chromosomes in the general population by the Genome Aggregation Database (gnomAD). The available evidence is insufficient to determine the role of this variant in disease conclusively. Therefore, this variant is classified as a Variant of Uncertain Significance.

Fulgent Genetics
Classification: Uncertain significance for Colorectal cancer; Hepatocellular carcinoma; Desmoid disease, hereditary; Familial adenomatous polyposis 1; Gastric cancer; Gastric adenocarcinoma and proximal polyposis of the stomach. Last evaluated: 2024-06-21. Review status: criteria provided, single submitter. Criteria: ACMG Guidelines, 2015. Collection method: clinical testing. Allele origin: germline.

Ambry Genetics
Classification: Uncertain significance for Hereditary cancer-predisposing syndrome. Last evaluated: 2023-03-23. Review status: criteria provided, single submitter. Criteria: Ambry General Variant Classification Scheme_2022. Collection method: clinical testing. Allele origin: germline.
Comment: The p.L795V variant (also known as c.2383C>G), located in coding exon 15 of the APC gene, results from a C to G substitution at nucleotide position 2383. The leucine at codon 795 is replaced by valine, an amino acid with highly similar properties. This amino acid position is well conserved in available vertebrate species. In addition, this alteration is predicted to be tolerated by in silico analysis. Since supporting evidence is limited at this time, the clinical significance of this alteration remains unclear.

Laboratory for Molecular Medicine, Mass General Brigham Personalized Medicine
Classification: Uncertain significance. Last evaluated: 2018-10-18. Review status: criteria provided, single submitter. Criteria: LMM Criteria. Collection method: clinical testing. Allele origin: germline. Observed: 1 variant allele.
Comment: The p.Leu795Val variant in APC has not been reported in individuals with APC-ass ociated polyposis conditions, but was identified in 1/250802 total chromosomes b y gnomAD. Computational prediction tools and conservation analysis suggest that the variant may not impact the protein. In su mmary, the clinical significance of the p.Leu795Val variant is uncertain. ACMG/A MP Criteria applied: BP4, PM2.